The following is an entry in ClinVar:

NM_004186.5(SEMA3F):c.304G>A (p.Glu102Lys)

Gene: SEMA3F (semaphorin 3F; plus strand). Cytogenetic location: 3p21.31.
Variant type: single nucleotide variant.
Coding change: c.304G>A on transcript NM_004186.5 (MANE Select); coding-DNA position 304, G replaced by A.
Protein change: p.Glu102Lys; replaces glutamic acid 102 with lysine.
Molecular consequence: missense variant.
Genome position (GRCh38, 1-based): chr3:50,174,082, G>A. VCF-style: chr3-50174082-G-A. GRCh37 (hg19) VCF-style: chr3-50211515-G-A.
Other names: c.100G>A, p.Glu34Lys (NM_001318798.2); c.304G>A, p.Glu102Lys (NM_001318800.2); short protein forms E34K, E102K.
Identifiers: ClinVar variation 4980874 (VCV004980874.1).

ClinVar aggregate classification (germline): Uncertain significance (1 of 4 stars; one submission).

Conditions:
SEMA3F-related disorder. Also called: SEMA3F-related condition.

gnomAD v4.1: 22 of 1,614,004 alleles (0.0014%); highest among the groups gnomAD compares: South Asian, 0.0077%; no homozygotes.

Submission:

PreventionGenetics, part of Exact Sciences
Classification: Uncertain significance for SEMA3F-related condition. Last evaluated: 2026-08-31. Review status: criteria provided, single submitter. Criteria: ACMG Guidelines, 2015. Collection method: clinical testing. Allele origin: germline.
Comment: The SEMA3F c.304G>A variant is predicted to result in the amino acid substitution p.Glu102Lys. To our knowledge, this variant has not been reported in the literature. This variant is reported in 0.0065% of alleles in individuals of South Asian descent in gnomAD. At this time, the clinical significance of this variant is uncertain due to the absence of conclusive functional and genetic evidence.